The following is an entry in ClinVar:

ClinVar aggregate classification (germline): Likely pathogenic (1 of 4 stars; one submission).

Conditions:
EDNRB-related disorder. Also called: EDNRB-related disorders; EDNRB-related condition.

Submission:

PreventionGenetics, part of Exact Sciences
Classification: Likely pathogenic for EDNRB-related condition. Last evaluated: 2025-01-16. Review status: criteria provided, single submitter. Criteria: ACMG Guidelines, 2015. Collection method: clinical testing. Allele origin: germline.
Comment: The EDNRB c.731delC variant is predicted to result in a frameshift and premature protein termination (p.Thr244Argfs*52). To our knowledge, this variant has not been reported in the literature or in a large population database (gnomAD), indicating this variant is rare. Frameshift variants in EDNRB are expected to be pathogenic. This variant is interpreted as likely pathogenic.

NM_001122659.3(EDNRB):c.731del (p.Thr244fs)

Genes: EDNRB (endothelin receptor type B; minus strand), EDNRB-AS1 (EDNRB antisense RNA 1; plus strand). Cytogenetic location: 13q22.3.
Variant type: Deletion.
Coding change: c.731del on transcript NM_001122659.3 (MANE Select); coding-DNA position 731, one base deleted (C; older notation c.731delC).
Protein change: p.Thr244fs; shifts the reading frame from threonine 244.
Molecular consequence: frameshift variant.
Genome position (GRCh38, 1-based): chr13:77,903,226, G deleted on the plus strand (C on the coding strand, the reverse complement: EDNRB is on the minus strand). VCF-style (leftmost placement, unchanged base first): chr13-77903225-CG-C. GRCh37 (hg19) VCF-style: chr13-78477360-CG-C.
Other names: c.731del, p.Thr244fs (NM_000115.5, NM_003991.4); c.1001del, p.Thr334fs (NM_001201397.2); short protein forms T244fs, T334fs.
Identifiers: ClinVar variation 5000753 (VCV005000753.1).
Genomic context (GRCh38, chr13:77,903,225, plus strand): 5'-AGCTGTCTTCTGAACGGGATGAAGCAAGCAGATTCGCAGATAACTTCCTTTGTAGTCCAT[CG>C]TAATTATATCAAAACCTATGGCTTCAGGGACAGCCAGAACCACAGAGACCACCCAAATCA-3'